The following is an entry in ClinVar:

NM_000059.4(BRCA2):c.4424dup (p.Met1475fs)

Gene: BRCA2 (BRCA2 DNA repair associated; plus strand). Cytogenetic location: 13q13.1.
Variant type: Duplication.
Coding change: c.4424dup on transcript NM_000059.4 (MANE Select); coding-DNA position 4424, one base duplicated (T; older notation c.4424dupT).
Protein change: p.Met1475fs; shifts the reading frame from methionine 1475.
Molecular consequence: frameshift variant.
Genome position (GRCh38, 1-based): chr13:32,338,779, T duplicated. VCF-style (leftmost placement, unchanged base first): chr13-32338778-A-AT. GRCh37 (hg19) VCF-style: chr13-32912915-A-AT.
Other names: 4652dupT; c.4424dupT (NM_000059.3); short protein forms M1475fs.
Identifiers: ClinVar variation 266812 (VCV000266812.9), dbSNP rs886040530, ClinGen allele CA10589259.

ClinVar aggregate classification (germline): Pathogenic. Review status: reviewed by expert panel (3 of 4 stars). 3 submissions from 3 submitters: Pathogenic (1). 2 of the submissions do not count toward it. Last evaluated 2016-10-18.

Conditions:
Breast-ovarian cancer, familial, susceptibility to, 2 (BROVCA2). Also called: BRCA2 Hereditary Breast and Ovarian Cancer. Identifiers: Orphanet 145, MedGen C2675520, MONDO:0012933, OMIM 612555. Disease mechanism: loss of function.
Hereditary cancer-predisposing syndrome. Also called: Hereditary neoplastic syndrome; Neoplastic Syndromes, Hereditary; Tumor predisposition; Hereditary Cancer Syndrome. Identifiers: Orphanet 140162, MedGen C0027672, MeSH D009386, MONDO:0015356.

Submissions (3):

Evidence-based Network for the Interpretation of Germline Mutant Alleles (ENIGMA)
Classification: Pathogenic for Breast-ovarian cancer, familial, susceptibility to, 2. Last evaluated: 2016-10-18. Review status: reviewed by expert panel. Criteria: ENIGMA BRCA1/2 Classification Criteria (2015). Collection method: curation. Allele origin: germline.
Comment: Variant allele predicted to encode a truncated non-functional protein.

Ambry Genetics
Classification: Pathogenic for Hereditary cancer-predisposing syndrome. Last evaluated: 2023-04-05. Review status: criteria provided, single submitter. Criteria: Ambry Variant Classification Scheme 2023. Collection method: clinical testing. Allele origin: germline. Not counted in ClinVar's aggregate classification.
Comment: The c.4424dupT pathogenic mutation, located in coding exon 10 of the BRCA2 gene, results from a duplication of T at nucleotide position 4424, causing a translational frameshift with a predicted alternate stop codon (p.M1475Ifs*7). This alteration was identified in a cohort of French and Swiss patients undergoing BRCA1/2 sequencing due to a diagnosis of ovarian cancer and in a large, worldwide study of BRCA1/2 mutation positive families (Labidi-Galy SI et al. Clin Cancer Res, 2018 Jan;24:326-333; Rebbeck TR et al. Hum Mutat, 2018 May;39:593-620). In addition to the clinical data presented in the literature, this alteration is expected to result in loss of function by premature protein truncation or nonsense-mediated mRNA decay. This variant is considered to be rare based on population cohorts in the Genome Aggregation Database (gnomAD). As such, this alteration is interpreted as a disease-causing mutation.

Consortium of Investigators of Modifiers of BRCA1/2 (CIMBA), c/o University of Cambridge
Classification: Pathogenic for Breast-ovarian cancer, familial, susceptibility to, 2. Last evaluated: 2015-10-02. Review status: criteria provided, single submitter. Criteria: CIMBA Mutation Classification guidelines May 2016. Collection method: clinical testing. Allele origin: germline. Not counted in ClinVar's aggregate classification.

Literature cited by the submitters: PubMed 29084914 (cited by Ambry Genetics); PubMed 29446198 (cited by Ambry Genetics).